The following is an entry in ClinVar:

ClinVar aggregate classification (germline): Pathogenic (1 of 4 stars; one submission).

Submission:

Labcorp Genetics (formerly Invitae), Labcorp
Classification: Pathogenic. Last evaluated: 2019-01-30. Review status: criteria provided, single submitter. Criteria: Invitae Variant Classification Sherloc (09022015). Collection method: clinical testing. Allele origin: germline.
Comment: A gross deletion of the genomic region encompassing the full coding sequence of the LAT gene has been identified. The boundaries of this event are unknown as the deletion extends beyond the assayed region for this gene and therefore may encompass additional genes. Isolated whole-gene deletions of LAT have not been reported in the literature. However, larger copy number events that include this gene have been reported (PMID: 24707176, 28965845). Loss-of-function variants in LAT are known to be pathogenic (PMID: 27242165, 27522155). For these reasons, this variant has been classified as Pathogenic.

Literature cited by the submitters: PubMed 24707176; PubMed 28965845; PubMed 27242165; PubMed 27522155.

NC_000016.10:g.(?_28985376)_(29038755_?)del

Gene: LAT (linker for activation of T cells; plus strand). Cytogenetic location: 16p11.2.
Variant type: Deletion.
Identifiers: ClinVar variation 832035 (VCV000832035.2).